The following is an entry in ClinVar:

NM_057088.3(KRT3):c.1188+4G>A

Gene: KRT3 (keratin 3; minus strand). Cytogenetic location: 12q13.13.
Variant type: single nucleotide variant.
Coding change: c.1188+4G>A on transcript NM_057088.3 (MANE Select); 4 bases into the intron after coding-DNA position 1188, G replaced by A.
Molecular consequence: intron variant.
Genome position (GRCh38, 1-based): chr12:52,792,235, C>T on the plus strand (G>A on the coding strand, the complement: KRT3 is on the minus strand). VCF-style: chr12-52792235-C-T. GRCh37 (hg19) VCF-style: chr12-53186019-C-T.
Identifiers: ClinVar variation 3611906 (VCV003611906.2).

ClinVar aggregate classification (germline): Uncertain significance (1 of 4 stars; one submission).

gnomAD v4.1: 11 of 1,613,034 alleles (0.00068%); highest among the groups gnomAD compares: Admixed American, 0.01%; no homozygotes.

Submission:

Labcorp Genetics (formerly Invitae), Labcorp
Classification: Uncertain significance. Last evaluated: 2024-03-29. Review status: criteria provided, single submitter. Criteria: Invitae Variant Classification Sherloc (09022015). Collection method: clinical testing. Allele origin: germline.
Comment: This sequence change falls in intron 5 of the KRT3 gene. It does not directly change the encoded amino acid sequence of the KRT3 protein. It affects a nucleotide within the consensus splice site. This variant is present in population databases (rs766503381, gnomAD 0.01%). This variant has not been reported in the literature in individuals affected with KRT3-related conditions. Variants that disrupt the consensus splice site are a relatively common cause of aberrant splicing (PMID: 17576681, 9536098). Algorithms developed to predict the effect of sequence changes on RNA splicing suggest that this variant is not likely to affect RNA splicing. In summary, the available evidence is currently insufficient to determine the role of this variant in disease. Therefore, it has been classified as a Variant of Uncertain Significance.

Literature cited by the submitters: PubMed 17576681; PubMed 9536098.